The following is an entry in ClinVar:

NM_006514.4(SCN10A):c.3109G>A (p.Glu1037Lys)

Genes: SCN10A (sodium voltage-gated channel alpha subunit 10; minus strand), LOC110121288 (VISTA enhancer hs2268; plus strand). Cytogenetic location: 3p22.2.
Variant type: single nucleotide variant.
Coding change: c.3109G>A on transcript NM_006514.4 (MANE Select); coding-DNA position 3109, G replaced by A.
Protein change: p.Glu1037Lys; replaces glutamic acid 1037 with lysine.
Molecular consequence: missense variant.
Genome position (GRCh38, 1-based): chr3:38,725,293, C>T on the plus strand (G>A on the coding strand, the complement: SCN10A is on the minus strand). VCF-style: chr3-38725293-C-T. GRCh37 (hg19) VCF-style: chr3-38766784-C-T.
Other names: c.3106G>A, p.Glu1036Lys (NM_001293306.2); c.2815G>A, p.Glu939Lys (NM_001293307.2); short protein forms E1036K, E1037K, E939K.
Identifiers: ClinVar variation 1727718 (VCV001727718.2), dbSNP rs376815753, ClinGen allele CA2320349.
Genomic context (GRCh38, chr3:38,725,293, plus strand): 5'-GGTCCTCAGAAGATGTTCCAGTGCCTGGGCTCCTGGGTGTCAGGTGGTCCCCACACCTCT[C>T]GACTTGCTGCAGCTGCTCCTGCTAGTGAGAGAGGGTCCCAACTGGGTGCCTGGCCCCACC-3'
Protein context (NP_006505.4, residues 1027-1047): KGQQEQLQQV[Glu1037Lys]RCGDHLTPRS

ClinVar aggregate classification (germline): Uncertain significance (1 of 4 stars; one submission).

Conditions:
Cardiovascular phenotype. Identifiers: MedGen CN230736.

Allele frequency attached by ClinVar (database versions not stated): gnomAD exomes below 0.00001; TOPMed below 0.00001; ExAC 0.00002; ESP Exome Variant Server 0.00008.

Submission:

Ambry Genetics
Classification: Uncertain significance for Cardiovascular phenotype. Last evaluated: 2021-10-29. Review status: criteria provided, single submitter. Criteria: Ambry Variant Classification Scheme 2023. Collection method: clinical testing. Allele origin: germline.
Comment: The p.E1037K variant (also known as c.3109G>A), located in coding exon 17 of the SCN10A gene, results from a G to A substitution at nucleotide position 3109. The glutamic acid at codon 1037 is replaced by lysine, an amino acid with similar properties. This amino acid position is conserved. In addition, this alteration is predicted to be tolerated by in silico analysis. Since supporting evidence is limited at this time, the clinical significance of this alteration remains unclear.